The following is an entry in ClinVar:

NM_000075.4(CDK4):c.24A>G (p.Pro8=)

Gene: CDK4 (cyclin dependent kinase 4; minus strand). Cytogenetic location: 12q14.1.
Variant type: single nucleotide variant.
Coding change: c.24A>G on transcript NM_000075.4 (MANE Select); coding-DNA position 24, A replaced by G.
Protein change: p.Pro8=; no amino-acid change (proline 8 retained).
Molecular consequence: synonymous variant.
Genome position (GRCh38, 1-based): chr12:57,751,694, T>C on the plus strand (A>G on the coding strand, the complement: CDK4 is on the minus strand). VCF-style: chr12-57751694-T-C. GRCh37 (hg19) VCF-style: chr12-58145477-T-C.
Identifiers: ClinVar variation 3378625 (VCV003378625.1).
Genomic context (GRCh38, chr12:57,751,694, plus strand): 5'-ACTGTGGGGATCACGGGCCTTGTACACTGTCCCATAGGCACCGACACCAATTTCAGCCAC[T>C]GGCTCATATCGAGAGGTAGCCATTCTCAGATCAAGGGAGACCCTACAATCACAGACTCCT-3'
Protein context (NP_000066.1, residues 1-18): MATSRYE[Pro8=]VAEIGVGAYG

ClinVar aggregate classification (germline): Benign (1 of 4 stars; one submission).

Conditions:
Melanoma, cutaneous malignant, susceptibility to, 3. Also called: Cutaneous malignant melanoma 3. Identifiers: Orphanet 618, MedGen C1836892, MONDO:0012183, OMIM 609048.

Submission:

Myriad Genetics, Inc.
Classification: Benign for Melanoma, cutaneous malignant, susceptibility to, 3. Last evaluated: 2024-09-24. Review status: criteria provided, single submitter. Criteria: Myriad Autosomal Dominant, Autosomal Recessive and X-Linked Classification Criteria (2023). Collection method: clinical testing. Allele origin: unknown.
Comment: This variant is considered benign. This variant is a silent/synonymous amino acid change and it is not expected to impact splicing.